The following is an entry in ClinVar:

ClinVar aggregate classification (germline): Uncertain significance. Review status: criteria provided, multiple submitters, no conflicts (2 of 4 stars). 2 submissions from 2 submitters: Uncertain significance (2). Last evaluated 2022-06-04.

Allele frequency attached by ClinVar (database versions not stated): gnomAD exomes below 0.00001; gnomAD 0.00001; TOPMed 0.00001.
gnomAD v4.1: 3 of 1,599,544 alleles (0.00019%); highest among the groups gnomAD compares: Non-Finnish European, 0.00025%; no homozygotes.

Submissions (2):

Labcorp Genetics (formerly Invitae), Labcorp
Classification: Uncertain significance. Last evaluated: 2022-06-04. Review status: criteria provided, single submitter. Criteria: Invitae Variant Classification Sherloc (09022015). Collection method: clinical testing. Allele origin: germline.
Comment: In summary, the available evidence is currently insufficient to determine the role of this variant in disease. Therefore, it has been classified as a Variant of Uncertain Significance. Algorithms developed to predict the effect of missense changes on protein structure and function (SIFT, PolyPhen-2, Align-GVGD) all suggest that this variant is likely to be disruptive. This variant has not been reported in the literature in individuals affected with ARHGEF18-related conditions. This variant is not present in population databases (gnomAD no frequency). This sequence change replaces serine, which is neutral and polar, with arginine, which is basic and polar, at codon 172 of the ARHGEF18 protein (p.Ser172Arg).

Blueprint Genetics
Classification: Uncertain significance. Last evaluated: 2018-12-20. Review status: criteria provided, single submitter. Criteria: ACMG Guidelines, 2015. Collection method: clinical testing. Allele origin: germline.

NM_001367823.1(ARHGEF18):c.1080C>A (p.Ser360Arg)

Gene: ARHGEF18 (Rho/Rac guanine nucleotide exchange factor 18; plus strand). Cytogenetic location: 19p13.2.
Variant type: single nucleotide variant.
Coding change: c.1080C>A on transcript NM_001367823.1 (MANE Select); coding-DNA position 1080, C replaced by A.
Protein change: p.Ser360Arg; replaces serine 360 with arginine.
Molecular consequence: missense variant.
Genome position (GRCh38, 1-based): chr19:7,440,456, C>A. VCF-style: chr19-7440456-C-A. GRCh37 (hg19) VCF-style: chr19-7505342-C-A.
Other names: c.354C>A, p.Ser118Arg (NM_001130955.2); c.42C>A, p.Ser14Arg (NM_001367824.1, NM_015318.4); short protein forms S118R, S360R, S14R.
Identifiers: ClinVar variation 1955377 (VCV001955377.6), dbSNP rs1974570280, ClinGen allele CA403097109.
Genomic context (GRCh38, chr19:7,440,456, plus strand): 5'-CCTGTCCAGGAATGTCGGTATGACGGTCTCTCAGAAAGGGGGTCCCCAGCCAACACCGAG[C>A]CCGGCTGGCCCTGGGACGCAACTCGGGTAAGCCAGGGTCCCCTCTGTGCCCTCGGGTGGG-3'
Protein context (NP_001354752.1, residues 350-370): SQKGGPQPTP[Ser360Arg]PAGPGTQLGP